The following is an entry in ClinVar:

ClinVar aggregate classification (germline): Pathogenic (1 of 4 stars; one submission).

Allele frequency attached by ClinVar (database versions not stated): gnomAD exomes below 0.00001.

Submission:

Labcorp Genetics (formerly Invitae), Labcorp
Classification: Pathogenic. Last evaluated: 2021-10-10. Review status: criteria provided, single submitter. Criteria: Invitae Variant Classification Sherloc (09022015). Collection method: clinical testing. Allele origin: germline.
Comment: Algorithms developed to predict the effect of sequence changes on RNA splicing suggest that this variant may create or strengthen a splice site. This variant has not been reported in the literature in individuals affected with MYO7A-related conditions. This variant is not present in population databases (ExAC no frequency). This sequence change creates a premature translational stop signal (p.Val679Glyfs*32) in the MYO7A gene. It is expected to result in an absent or disrupted protein product. Loss-of-function variants in MYO7A are known to be pathogenic (PMID: 8900236, 25404053). For these reasons, this variant has been classified as Pathogenic.

Literature cited by the submitters: PubMed 8900236; PubMed 25404053.

NM_000260.4(MYO7A):c.2035dup (p.Val679fs)

Gene: MYO7A (myosin VIIA; plus strand). Cytogenetic location: 11q13.5.
Variant type: Duplication.
Coding change: c.2035dup on transcript NM_000260.4 (MANE Select); coding-DNA position 2035, one base duplicated (G; older notation c.2035dupG).
Protein change: p.Val679fs; shifts the reading frame from valine 679.
Molecular consequence: frameshift variant.
Genome position (GRCh38, 1-based): chr11:77,174,855, G duplicated. VCF-style (leftmost placement, unchanged base first): chr11-77174854-C-CG. GRCh37 (hg19) VCF-style: chr11-76885900-C-CG.
Other names: c.2035dup, p.Val679fs (NM_001127180.2); c.2002dup, p.Val668fs (NM_001369365.1); short protein forms V679fs, V668fs.
Identifiers: ClinVar variation 1454628 (VCV001454628.6), dbSNP rs1565390318, ClinGen allele CA600710634.